The following is an entry in ClinVar:

ClinVar aggregate classification (germline): Conflicting classifications of pathogenicity. Review status: criteria provided, conflicting classifications (1 of 4 stars). 2 submissions from 2 submitters: Pathogenic (1); Uncertain significance (1). Last evaluated 2025-04-19.

Conditions:
Congenital heart defects, dysmorphic facial features, and intellectual developmental disorder (CHDFIDD). Identifiers: Orphanet 646278, MedGen C4479246, MONDO:0044302, OMIM 617360.

gnomAD v4.1: 1 of 1,446,110 alleles (0.000069%); highest among the groups gnomAD compares: Non-Finnish European, 0.00009%; no homozygotes.

Submissions (2):

Laboratorio de Genetica e Diagnostico Molecular, Hospital Israelita Albert Einstein
Classification: Uncertain significance for Congenital heart defects, dysmorphic facial features, and intellectual developmental disorder. Last evaluated: 2025-04-19. Review status: criteria provided, single submitter. Criteria: ACMG Guidelines, 2015. Collection method: clinical testing. Allele origin: germline. Affected: yes.
Comment: ACMG classification criteria: PVS1 strong, PM2 supporting

Labcorp Genetics (formerly Invitae), Labcorp
Classification: Pathogenic. Last evaluated: 2024-10-30. Review status: criteria provided, single submitter. Criteria: Invitae Variant Classification Sherloc (09022015). Collection method: clinical testing. Allele origin: germline.
Comment: This sequence change creates a premature translational stop signal (p.Lys21*) in the CDK13 gene. It is expected to result in an absent or disrupted protein product. Loss-of-function variants in CDK13 are known to be pathogenic (PMID: 27479907, 29021403, 29393965). This variant is not present in population databases (gnomAD no frequency). This variant has not been reported in the literature in individuals affected with CDK13-related conditions. For these reasons, this variant has been classified as Pathogenic.

Literature cited by the submitters: PubMed 27479907 (cited by Labcorp Genetics (formerly Invitae), Labcorp); PubMed 29021403 (cited by Labcorp Genetics (formerly Invitae), Labcorp); PubMed 29393965 (cited by Labcorp Genetics (formerly Invitae), Labcorp).

NM_003718.5(CDK13):c.61A>T (p.Lys21Ter)

Gene: CDK13 (cyclin dependent kinase 13; plus strand). Cytogenetic location: 7p14.1.
Variant type: single nucleotide variant.
Coding change: c.61A>T on transcript NM_003718.5 (MANE Select); coding-DNA position 61, A replaced by T.
Protein change: p.Lys21Ter; replaces lysine 21 with a stop codon.
Molecular consequence: nonsense.
Genome position (GRCh38, 1-based): chr7:39,950,702, A>T. VCF-style: chr7-39950702-A-T. GRCh37 (hg19) VCF-style: chr7-39990301-A-T.
Other names: c.61A>T, p.Lys21Ter (NM_031267.4); short protein forms K21*.
Identifiers: ClinVar variation 3670622 (VCV003670622.3).